The following is an entry in ClinVar:

ClinVar aggregate classification (germline): Uncertain significance (1 of 4 stars; one submission).

Conditions:
Hereditary cancer-predisposing syndrome. Also called: Hereditary Cancer Syndrome; Hereditary neoplastic syndrome; Neoplastic Syndromes, Hereditary; Tumor predisposition. Identifiers: Orphanet 140162, MedGen C0027672, MeSH D009386, MONDO:0015356.

Submission:

Ambry Genetics
Classification: Uncertain significance for Hereditary cancer-predisposing syndrome. Last evaluated: 2020-11-05. Review status: criteria provided, single submitter. Criteria: Ambry Variant Classification Scheme 2023. Collection method: clinical testing. Allele origin: germline.
Comment: The p.V200M variant (also known as c.598G>A), located in coding exon 6 of the FANCC gene, results from a G to A substitution at nucleotide position 598. The valine at codon 200 is replaced by methionine, an amino acid with highly similar properties. This amino acid position is well conserved in available vertebrate species. In addition, this alteration is predicted to be tolerated by in silico analysis. Since supporting evidence is limited at this time, the clinical significance of this alteration remains unclear.

NM_000136.3(FANCC):c.598G>A (p.Val200Met)

Genes: FANCC (FA complementation group C; minus strand), AOPEP (aminopeptidase O (putative); plus strand). Cytogenetic location: 9q22.32.
Variant type: single nucleotide variant.
Coding change: c.598G>A on transcript NM_000136.3 (MANE Select); coding-DNA position 598, G replaced by A.
Protein change: p.Val200Met; replaces valine 200 with methionine.
Molecular consequence: missense variant.
Genome position (GRCh38, 1-based): chr9:95,150,011, C>T on the plus strand (G>A on the coding strand, the complement: FANCC is on the minus strand). VCF-style: chr9-95150011-C-T. GRCh37 (hg19) VCF-style: chr9-97912293-C-T.
Other names: c.598G>A, p.Val200Met (NM_001243743.2, NM_001243744.2); short protein forms V200M.
Identifiers: ClinVar variation 1750891 (VCV001750891.2), dbSNP rs772996041, ClinGen allele CA374109696.